The following is an entry in ClinVar:

NM_006988.5(ADAMTS1):c.1701T>C (p.Pro567=)

Gene: ADAMTS1 (ADAM metallopeptidase with thrombospondin type 1 motif 1; minus strand). Cytogenetic location: 21q21.3.
Variant type: single nucleotide variant.
Coding change: c.1701T>C on transcript NM_006988.5 (MANE Select); coding-DNA position 1701, T replaced by C.
Protein change: p.Pro567=; no amino-acid change (proline 567 retained).
Molecular consequence: synonymous variant.
Genome position (GRCh38, 1-based): chr21:26,840,026, A>G on the plus strand (T>C on the coding strand, the complement: ADAMTS1 is on the minus strand). VCF-style: chr21-26840026-A-G. GRCh37 (hg19) VCF-style: chr21-28212345-A-G.
Identifiers: ClinVar variation 2652576 (VCV002652576.24), dbSNP rs200740219, ClinGen allele CA9988322.

ClinVar aggregate classification (germline): Likely benign (1 of 4 stars; one submission).

Allele frequency attached by ClinVar (database versions not stated): gnomAD exomes 0.00001; gnomAD 0.00003; TOPMed 0.00005; ExAC 0.00011; 1000 Genomes Project 30x 0.00016; 1000 Genomes Project 0.00020.
gnomAD v4.1: 26 of 1,613,840 alleles (0.0016%); highest among the groups gnomAD compares: East Asian, 0.042%; no homozygotes.

Submission:

CeGaT Center for Human Genetics Tuebingen
Classification: Likely benign. Last evaluated: 2023-02-01. Review status: criteria provided, single submitter. Criteria: CeGaT Center For Human Genetics Tuebingen Variant Classification Criteria Version 2. Collection method: clinical testing. Allele origin: germline. Affected: yes. Observed: 1 variant allele.
Comment: ADAMTS1: BP4, BP7